The following is an entry in ClinVar:

NM_080680.3(COL11A2):c.2271C>T (p.Gly757=)

Gene: COL11A2 (collagen type XI alpha 2 chain; minus strand). Cytogenetic location: 6p21.32.
Variant type: single nucleotide variant.
Coding change: c.2271C>T on transcript NM_080680.3 (MANE Select); coding-DNA position 2271, C replaced by T.
Protein change: p.Gly757=; no amino-acid change (glycine 757 retained).
Molecular consequence: synonymous variant.
Genome position (GRCh38, 1-based): chr6:33,175,679, G>A on the plus strand (C>T on the coding strand, the complement: COL11A2 is on the minus strand). VCF-style: chr6-33175679-G-A. GRCh37 (hg19) VCF-style: chr6-33143456-G-A.
Other names: c.1950C>T, p.Gly650= (NM_080679.3); c.2013C>T, p.Gly671= (NM_080681.3).
Identifiers: ClinVar variation 356400 (VCV000356400.27), dbSNP rs745568808, ClinGen allele CA3750960.

ClinVar aggregate classification (germline): Conflicting classifications of pathogenicity. Review status: criteria provided, conflicting classifications (1 of 4 stars). 9 submissions from 8 submitters: Uncertain significance (2); Likely benign (6). 1 of the submissions does not count toward it. Last evaluated 2026-05-21.

Conditions:
Connective tissue disorder. Also called: Connective tissue disease. Identifiers: MedGen C0009782, MONDO:0003900.
Fibrochondrogenesis 2 (FBCG2). Identifiers: Orphanet 2021, MedGen C3281128, MONDO:0013795, OMIM 614524.
COL11A2-related disorder. Also called: COL11A2-related condition; COL11A2-related disorders.
Otospondylomegaepiphyseal dysplasia, autosomal recessive (OSMEDB). Also called: CHONDRODYSTROPHY WITH SENSORINEURAL DEAFNESS; Insley-Astley syndrome. Identifiers: Orphanet 1427, MedGen CN034493, MONDO:0044206, OMIM 215150.

Allele frequency attached by ClinVar (database versions not stated): TOPMed 0.00004; gnomAD 0.00006.
gnomAD v4.1: 273 of 1,612,734 alleles (0.017%); highest among the groups gnomAD compares: Non-Finnish European, 0.021%; no homozygotes.

Submissions (9):

Women's Health and Genetics/Laboratory Corporation of America, LabCorp
Classification: Likely benign. Last evaluated: 2026-05-21. Review status: criteria provided, single submitter. Criteria: LabCorp Variant Classification Summary - May 2015. Collection method: clinical testing. Allele origin: germline.
Comment: Variant summary: COL11A2 c.2271C>T (p.Gly757Gly) alters a conserved nucleotide located close to a canonical splice site and therefore could affect mRNA splicing, leading to a significantly altered protein sequence. Consensus agreement among computation tools predict no significant impact on normal splicing. However, these predictions have yet to be confirmed by functional studies. The variant allele was found at a frequency of 0.00017 in 1612734 control chromosomes. This frequency is not significantly higher than estimated for disease-causing variants in COL11A2, allowing no conclusion about variant significance. To our knowledge, no occurrence of c.2271C>T in individuals affected with COL11A2-related conditions and no experimental evidence demonstrating its impact on protein function have been reported. ClinVar contains an entry for this variant (Variation ID: 356400). Based on the evidence outlined above, the variant was classified as likely benign.

Labcorp Genetics (formerly Invitae), Labcorp
Classification: Likely benign. Last evaluated: 2026-01-26. Review status: criteria provided, single submitter. Criteria: Invitae Variant Classification Sherloc (09022015). Collection method: clinical testing. Allele origin: germline.

Blueprint Genetics
Classification: Likely benign. Last evaluated: 2024-11-25. Review status: criteria provided, single submitter. Criteria: ACMG Guidelines, 2015. Collection method: clinical testing. Allele origin: germline.

GeneDx
Classification: Likely benign. Last evaluated: 2021-06-07. Review status: criteria provided, single submitter. Criteria: GeneDx Variant Classification Process June 2021. Collection method: clinical testing. Allele origin: germline. Affected: yes.

ARUP Laboratories, Molecular Genetics and Genomics, ARUP Laboratories
Classification: Likely benign. Last evaluated: 2020-07-09. Review status: criteria provided, single submitter. Criteria: ARUP Molecular Germline Variant Investigation Process. Collection method: clinical testing. Allele origin: germline.

Center for Human Genetics, Inc
Classification: Likely benign for Connective tissue disorder. Last evaluated: 2018-06-01. Review status: criteria provided, single submitter. Criteria: ACMG Guidelines, 2015. Collection method: clinical testing. Allele origin: germline. Affected: yes.

Illumina Laboratory Services, Illumina
Classification: Uncertain significance for Otospondylomegaepiphyseal dysplasia, autosomal recessive. Last evaluated: 2018-01-13. Review status: criteria provided, single submitter. Criteria: ICSL Variant Classification Criteria 13 December 2019. Collection method: clinical testing. Allele origin: germline.

Illumina Laboratory Services, Illumina
Classification: Uncertain significance for Fibrochondrogenesis 2. Last evaluated: 2018-01-13. Review status: criteria provided, single submitter. Criteria: ICSL Variant Classification Criteria 13 December 2019. Collection method: clinical testing. Allele origin: germline.

PreventionGenetics, part of Exact Sciences
Classification: Likely benign for COL11A2-related condition. Last evaluated: 2019-12-02. Review status: no assertion criteria provided. Collection method: clinical testing. Allele origin: germline. Not counted in ClinVar's aggregate classification.
Comment: This variant is classified as likely benign based on ACMG/AMP sequence variant interpretation guidelines (Richards et al. 2015 PMID: 25741868, with internal and published modifications).